The following is an entry in ClinVar:

NM_006118.4(HAX1):c.256C>T (p.Arg86Ter)

Gene: HAX1 (HCLS1 associated protein X-1; plus strand). Cytogenetic location: 1q21.3.
Variant type: single nucleotide variant.
Coding change: c.256C>T on transcript NM_006118.4 (MANE Select); coding-DNA position 256, C replaced by T.
Protein change: p.Arg86Ter; replaces arginine 86 with a stop codon.
Molecular consequence: nonsense.
Genome position (GRCh38, 1-based): chr1:154,273,538, C>T. VCF-style: chr1-154273538-C-T. GRCh37 (hg19) VCF-style: chr1-154246014-C-T.
Other names: c.112C>T, p.Arg38Ter (NM_001018837.2); short protein forms R86*, R38*.
Identifiers: ClinVar variation 4654 (VCV000004654.18), dbSNP rs121908165, ClinGen allele CA280977.

ClinVar aggregate classification (germline): Conflicting classifications of pathogenicity. Review status: criteria provided, conflicting classifications (1 of 4 stars). 6 submissions from 6 submitters: Pathogenic (2); Uncertain significance (1). 3 of the submissions do not count toward it. Last evaluated 2026-02-27.

Conditions:
Congenital portosystemic shunt. Identifiers: Orphanet 480531, MedGen C1290495, MONDO:0018811.
Kostmann syndrome (SCN3). Also called: Autosomal recessive severe congenital neutropenia type 3; KOSTMANN DISEASE. Identifiers: Orphanet 99749, MedGen C5235141, MONDO:0012548, OMIM 610738.

Allele frequency attached by ClinVar (database versions not stated): gnomAD exomes 0.00002; ExAC 0.00001.

Submissions (6):

Department of Pediatrics, Graduate School of Medical Sciences, Kyushu University
Classification: Uncertain significance for Congenital portosystemic shunt. Last evaluated: 2026-02-27. Review status: criteria provided, single submitter. Criteria: ACMG Guidelines, 2015. Collection method: research. Allele origin: germline. Affected: yes.
Comment: The variant is rare in population databases. Although loss-of-function variants in this gene have been reported in other disorders, an association between this gene and CPSS has not been established. Therefore, the clinical significance of this variant in relation to CPSS is currently classified as a variant of uncertain significance (VUS).

Natera, Inc.
Classification: Pathogenic for Autosomal recessive severe congenital neutropenia type 3. Last evaluated: 2024-06-13. Review status: criteria provided, single submitter. Criteria: Natera Variant Classification Schema (03/2026). Collection method: clinical testing. Allele origin: germline.
Comment: The c.256C>T variant in HAX1 is a nonsense variant predicted to introduce a stop codon at amino acid 86. This variant is expected to result in nonsense mediated decay, truncation, or a dysfunctional protein product. This variant is rare in the general population with a frequency below the threshold expected for the associated phenotype(s). This variant has been observed in one or more individuals affected with the associated recessive disease, as either homozygous or compound heterozygous with a second variant (PMID: 18611981). Additionally, this variant has been observed to segregate in affected family members (PMID: 18611981). Given the available evidence, this variant is classified as Pathogenic.

Labcorp Genetics (formerly Invitae), Labcorp
Classification: Pathogenic for Kostmann syndrome. Last evaluated: 2022-12-23. Review status: criteria provided, single submitter. Criteria: Invitae Variant Classification Sherloc (09022015). Collection method: clinical testing. Allele origin: germline.
Comment: For these reasons, this variant has been classified as Pathogenic. This sequence change creates a premature translational stop signal (p.Arg86*) in the HAX1 gene. It is expected to result in an absent or disrupted protein product. Loss-of-function variants in HAX1 are known to be pathogenic (PMID: 17187068). This variant is present in population databases (rs121908165, gnomAD 0.02%). This premature translational stop signal has been observed in individual(s) with severe congenital neutropenia (PMID: 17187068, 18055975, 18330843, 18611981, 28102861). ClinVar contains an entry for this variant (Variation ID: 4654).

OMIM
Classification: Pathogenic for NEUTROPENIA, SEVERE CONGENITAL, 3, AUTOSOMAL RECESSIVE. Last evaluated: 2008-12-01. Review status: no assertion criteria provided. Collection method: literature only. Allele origin: germline. Not counted in ClinVar's aggregate classification.

Clinical Genetics DNA and cytogenetics Diagnostics Lab, Erasmus MC, Erasmus Medical Center
Classification: Pathogenic. Review status: no assertion criteria provided. Collection method: clinical testing. Allele origin: germline. Affected: yes. Study: VKGL Data-share Consensus. Not counted in ClinVar's aggregate classification.

Joint Genome Diagnostic Labs from Nijmegen and Maastricht, Radboudumc and MUMC+
Classification: Pathogenic. Review status: no assertion criteria provided. Collection method: clinical testing. Allele origin: germline. Affected: yes. Study: VKGL Data-share Consensus. Not counted in ClinVar's aggregate classification.

Literature cited by the submitters: PubMed 18611981 (cited by 3 submitters); PubMed 17187068 (cited by Labcorp Genetics (formerly Invitae), Labcorp); PubMed 18055975 (cited by Labcorp Genetics (formerly Invitae), Labcorp); PubMed 18330843 (cited by Labcorp Genetics (formerly Invitae), Labcorp); PubMed 28102861 (cited by Labcorp Genetics (formerly Invitae), Labcorp); PubMed 39980410 (cited by OMIM).